The following is an entry in ClinVar:

ClinVar aggregate classification (germline): Uncertain significance (1 of 4 stars; one submission).

Conditions:
Long QT syndrome (LQTS). Identifiers: MedGen C0023976, MeSH D008133, MONDO:0002442. Disease mechanism: loss of function. Inheritance: Various modes of inheritance.

gnomAD v4.1: 8 of 1,544,592 alleles (0.00052%); highest among the groups gnomAD compares: Non-Finnish European, 0.0007%; no homozygotes.

Submission:

Labcorp Genetics (formerly Invitae), Labcorp
Classification: Uncertain significance for Long QT syndrome. Last evaluated: 2024-12-23. Review status: criteria provided, single submitter. Criteria: Invitae Variant Classification Sherloc (09022015). Collection method: clinical testing. Allele origin: germline.
Comment: This sequence change replaces aspartic acid, which is acidic and polar, with valine, which is neutral and non-polar, at codon 1043 of the KCNH2 protein (p.Asp1043Val). This variant is not present in population databases (gnomAD no frequency). This variant has not been reported in the literature in individuals affected with KCNH2-related conditions. An algorithm developed to predict the effect of missense changes on protein structure and function (PolyPhen-2) suggests that this variant is likely to be disruptive. In summary, the available evidence is currently insufficient to determine the role of this variant in disease. Therefore, it has been classified as a Variant of Uncertain Significance.

NM_000238.4(KCNH2):c.3128A>T (p.Asp1043Val)

Gene: KCNH2 (potassium voltage-gated channel subfamily H member 2; minus strand). Cytogenetic location: 7q36.1.
Variant type: single nucleotide variant.
Coding change: c.3128A>T on transcript NM_000238.4 (MANE Select); coding-DNA position 3128, A replaced by T.
Protein change: p.Asp1043Val; replaces aspartic acid 1043 with valine.
Molecular consequence: missense variant. On other transcripts: non-coding transcript variant (2).
Genome position (GRCh38, 1-based): chr7:150,947,352, T>A on the plus strand (A>T on the coding strand, the complement: KCNH2 is on the minus strand). VCF-style: chr7-150947352-T-A. GRCh37 (hg19) VCF-style: chr7-150644440-T-A.
Other names: c.2840A>T, p.Asp947Val (NM_001406753.1); c.2108A>T, p.Asp703Val (NM_172057.3); short protein forms D1043V, D703V, D947V.
Identifiers: ClinVar variation 3706878 (VCV003706878.2).